The following is an entry in ClinVar:

ClinVar aggregate classification (germline): Uncertain significance (1 of 4 stars; one submission).

Allele frequency attached by ClinVar (database versions not stated): gnomAD 0.00001; ExAC 0.00003; TOPMed 0.00003; ESP Exome Variant Server 0.00008.
gnomAD v4.1: 33 of 1,613,780 alleles (0.002%); highest among the groups gnomAD compares: Admixed American, 0.012%; no homozygotes.

Submission:

Labcorp Genetics (formerly Invitae), Labcorp
Classification: Uncertain significance. Last evaluated: 2022-04-24. Review status: criteria provided, single submitter. Criteria: Invitae Variant Classification Sherloc (09022015). Collection method: clinical testing. Allele origin: germline.
Comment: This sequence change replaces cysteine, which is neutral and slightly polar, with serine, which is neutral and polar, at codon 311 of the GGCX protein (p.Cys311Ser). This variant is present in population databases (rs369862766, gnomAD 0.06%). This variant has not been reported in the literature in individuals affected with GGCX-related conditions. Algorithms developed to predict the effect of missense changes on protein structure and function are either unavailable or do not agree on the potential impact of this missense change (SIFT: "Tolerated"; PolyPhen-2: "Possibly Damaging"; Align-GVGD: "Class C0"). In summary, the available evidence is currently insufficient to determine the role of this variant in disease. Therefore, it has been classified as a Variant of Uncertain Significance.

NM_000821.7(GGCX):c.932G>C (p.Cys311Ser)

Gene: GGCX (gamma-glutamyl carboxylase; minus strand). Cytogenetic location: 2p11.2.
Variant type: single nucleotide variant.
Coding change: c.932G>C on transcript NM_000821.7 (MANE Select); coding-DNA position 932, G replaced by C.
Protein change: p.Cys311Ser; replaces cysteine 311 with serine.
Molecular consequence: missense variant.
Genome position (GRCh38, 1-based): chr2:85,553,455, C>G on the plus strand (G>C on the coding strand, the complement: GGCX is on the minus strand). VCF-style: chr2-85553455-C-G. GRCh37 (hg19) VCF-style: chr2-85780578-C-G.
Other names: c.761G>C, p.Cys254Ser (NM_001142269.4); short protein forms C311S, C254S.
Identifiers: ClinVar variation 2180213 (VCV002180213.1), dbSNP rs369862766, ClinGen allele CA1741969.